The following is an entry in ClinVar:

NM_177438.3(DICER1):c.4696C>G (p.Leu1566Val)

Gene: DICER1 (dicer 1, ribonuclease III; minus strand). Cytogenetic location: 14q32.13.
Variant type: single nucleotide variant.
Coding change: c.4696C>G on transcript NM_177438.3 (MANE Select); coding-DNA position 4696, C replaced by G.
Protein change: p.Leu1566Val; replaces leucine 1566 with valine.
Molecular consequence: missense variant. On other transcripts: non-coding transcript variant (6).
Genome position (GRCh38, 1-based): chr14:95,096,224, G>C on the plus strand (C>G on the coding strand, the complement: DICER1 is on the minus strand). VCF-style: chr14-95096224-G-C. GRCh37 (hg19) VCF-style: chr14-95562561-G-C.
Other names: c.4696C>G, p.Leu1566Val (NM_001195573.1, NM_001271282.3, NM_001291628.2 and 13 more transcripts); c.4414C>G, p.Leu1472Val (NM_001395686.1); c.4291C>G, p.Leu1431Val (NM_001395687.1, NM_001395688.1, NM_001395689.1 and 2 more transcripts); c.4129C>G, p.Leu1377Val (NM_001395691.1); c.3013C>G, p.Leu1005Val (NM_001395697.1); short protein forms L1472V, L1377V, L1005V, L1431V, L1566V.
Identifiers: ClinVar variation 1742499 (VCV001742499.4), dbSNP rs2542489497, ClinGen allele CA390867501.

ClinVar aggregate classification (germline): Uncertain significance. Review status: criteria provided, multiple submitters, no conflicts (2 of 4 stars). 2 submissions from 2 submitters: Uncertain significance (2). Last evaluated 2024-04-24.

Conditions:
DICER1-related tumor predisposition. Also called: DICER1 syndrome; DICER1-related pleuropulmonary blastoma cancer predisposition syndrome. Identifiers: Orphanet 284343, MedGen C3839822, MONDO:0100216.
Hereditary cancer-predisposing syndrome. Also called: Neoplastic Syndromes, Hereditary; Tumor predisposition; Hereditary Cancer Syndrome; Hereditary neoplastic syndrome. Identifiers: Orphanet 140162, MedGen C0027672, MeSH D009386, MONDO:0015356.

Submissions (2):

Labcorp Genetics (formerly Invitae), Labcorp
Classification: Uncertain significance for DICER1-related tumor predisposition. Last evaluated: 2024-04-24. Review status: criteria provided, single submitter. Criteria: Invitae Variant Classification Sherloc (09022015). Collection method: clinical testing. Allele origin: germline.
Comment: This sequence change replaces leucine, which is neutral and non-polar, with valine, which is neutral and non-polar, at codon 1566 of the DICER1 protein (p.Leu1566Val). This variant is not present in population databases (gnomAD no frequency). This variant has not been reported in the literature in individuals affected with DICER1-related conditions. ClinVar contains an entry for this variant (Variation ID: 1742499). Advanced modeling of protein sequence and biophysical properties (such as structural, functional, and spatial information, amino acid conservation, physicochemical variation, residue mobility, and thermodynamic stability) performed at Invitae indicates that this missense variant is expected to disrupt DICER1 protein function with a positive predictive value of 80%. In summary, the available evidence is currently insufficient to determine the role of this variant in disease. Therefore, it has been classified as a Variant of Uncertain Significance.

Ambry Genetics
Classification: Uncertain significance for Hereditary cancer-predisposing syndrome. Last evaluated: 2022-05-02. Review status: criteria provided, single submitter. Criteria: Ambry Variant Classification Scheme 2023. Collection method: clinical testing. Allele origin: germline.
Comment: The p.L1566V variant (also known as c.4696C>G), located in coding exon 22 of the DICER1 gene, results from a C to G substitution at nucleotide position 4696. The leucine at codon 1566 is replaced by valine, an amino acid with highly similar properties. This amino acid position is highly conserved in available vertebrate species. In addition, this alteration is predicted to be deleterious by in silico analysis. Since supporting evidence is limited at this time, the clinical significance of this alteration remains unclear.